The following is an entry in ClinVar:

ClinVar aggregate classification (germline): Pathogenic (1 of 4 stars; one submission).

Conditions:
ADNP-related multiple congenital anomalies - intellectual disability - autism spectrum disorder. Also called: Helsmoortel-Van der Aa Syndrome; ADNP-Related Helsmoortel-Van der Aa Syndrome. Identifiers: Orphanet 404448, MedGen C4014538, MONDO:0014379, OMIM 615873. Disease mechanism: loss of function.

Submission:

Women's Health and Genetics/Laboratory Corporation of America, LabCorp
Classification: Pathogenic for ADNP-related multiple congenital anomalies - intellectual disability - autism spectrum disorder. Last evaluated: 2025-11-07. Review status: criteria provided, single submitter. Criteria: LabCorp Variant Classification Summary - May 2015. Collection method: clinical testing. Allele origin: germline.
Comment: Variant summary: ADNP c.1860delG (p.Thr622ProfsX10) results in a premature termination codon, predicted to cause a truncation of the encoded protein or absence of the protein due to nonsense mediated decay, which are commonly known mechanisms for disease. The variant was absent in 251328 control chromosomes. To our knowledge, no occurrence of c.1860delG in individuals affected with ADNP-related conditions and no experimental evidence demonstrating its impact on protein function have been reported. A downstream non-NMD truncation (p.Asn832LysfsX81) has been classified by our laboratory as pathogenic, supporting the critical relevance of this region of the protein. No submitters have cited clinical-significance assessments for this variant to ClinVar. Based on the evidence outlined above, the variant was classified as pathogenic.

NM_001282531.3(ADNP):c.1860del (p.Thr622fs)

Gene: ADNP (activity dependent neuroprotector homeobox; minus strand). Cytogenetic location: 20q13.13.
Variant type: Deletion.
Coding change: c.1860del on transcript NM_001282531.3 (MANE Select); coding-DNA position 1860, one base deleted (G; older notation c.1860delG).
Protein change: p.Thr622fs; shifts the reading frame from threonine 622.
Molecular consequence: frameshift variant.
Genome position (GRCh38, 1-based): chr20:50,892,854, C deleted on the plus strand (G on the coding strand, the reverse complement: ADNP is on the minus strand); the first of 3 consecutive C bases (chr20:50,892,854-50,892,856); deleting any one gives the same sequence. VCF-style (leftmost placement, unchanged base first): chr20-50892853-TC-T. GRCh37 (hg19) VCF-style: chr20-49509390-TC-T.
Other names: c.1860delG (NM_015339.5); c.1860del, p.Thr622fs (NM_001282532.2, NM_001347511.2, NM_015339.5 and 1 more transcripts); c.2076del, p.Thr694fs (NM_001439000.1); c.1176del, p.Thr394fs (NM_001439001.1); short protein forms T394fs, T622fs, T694fs.
Identifiers: ClinVar variation 4536974 (VCV004536974.1).